The following is an entry in ClinVar:

NM_001258038.2(SPRY1):c.18A>G (p.Gln6=)

Gene: SPRY1 (sprouty RTK signaling antagonist 1; plus strand). Cytogenetic location: 4q28.1.
Variant type: single nucleotide variant.
Coding change: c.18A>G on transcript NM_001258038.2 (MANE Select); coding-DNA position 18, A replaced by G.
Protein change: p.Gln6=; no amino-acid change (glutamine 6 retained).
Molecular consequence: synonymous variant.
Genome position (GRCh38, 1-based): chr4:123,401,609, A>G. VCF-style: chr4-123401609-A-G. GRCh37 (hg19) VCF-style: chr4-124322764-A-G.
Other names: c.18A>G, p.Gln6= (NM_001258039.1, NM_001375410.1, NM_005841.3 and 1 more transcripts).
Identifiers: ClinVar variation 3045666 (VCV003045666.2), dbSNP rs115001600, ClinGen allele CA3070805.

ClinVar aggregate classification (germline): Likely benign (0 of 4 stars; one submission).

Conditions:
SPRY1-related disorder. Also called: SPRY1-related condition.

Allele frequency attached by ClinVar (database versions not stated): gnomAD exomes 0.00014; ExAC 0.00035; ESP Exome Variant Server 0.00100; gnomAD 0.00120; TOPMed 0.00123; 1000 Genomes Project 0.00140; 1000 Genomes Project 30x 0.00141.

Submission:

PreventionGenetics, part of Exact Sciences
Classification: Likely benign for SPRY1-related condition. Last evaluated: 2020-02-26. Review status: no assertion criteria provided. Collection method: clinical testing. Allele origin: germline.
Comment: This variant is classified as likely benign based on ACMG/AMP sequence variant interpretation guidelines (Richards et al. 2015 PMID: 25741868, with internal and published modifications).